The following is an entry in ClinVar:

NM_005431.2(XRCC2):c.232G>T (p.Val78Phe)

Gene: XRCC2 (X-ray repair cross complementing 2; minus strand). Cytogenetic location: 7q36.1.
Variant type: single nucleotide variant.
Coding change: c.232G>T on transcript NM_005431.2 (MANE Select); coding-DNA position 232, G replaced by T.
Protein change: p.Val78Phe; replaces valine 78 with phenylalanine.
Molecular consequence: missense variant.
Genome position (GRCh38, 1-based): chr7:152,649,253, C>A on the plus strand (G>T on the coding strand, the complement: XRCC2 is on the minus strand). VCF-style: chr7-152649253-C-A. GRCh37 (hg19) VCF-style: chr7-152346338-C-A.
Other names: short protein forms V78F.
Identifiers: ClinVar variation 1789705 (VCV001789705.3), dbSNP rs879254167, ClinGen allele CA370199147.

ClinVar aggregate classification (germline): Uncertain significance (1 of 4 stars; one submission).

Conditions:
Hereditary cancer-predisposing syndrome. Also called: Hereditary Cancer Syndrome; Hereditary neoplastic syndrome; Tumor predisposition; Neoplastic Syndromes, Hereditary. Identifiers: Orphanet 140162, MedGen C0027672, MeSH D009386, MONDO:0015356.

Submission:

Ambry Genetics
Classification: Uncertain significance for Hereditary cancer-predisposing syndrome. Last evaluated: 2024-04-20. Review status: criteria provided, single submitter. Criteria: Ambry Variant Classification Scheme 2023. Collection method: clinical testing. Allele origin: germline.
Comment: The p.V78F variant (also known as c.232G>T), located in coding exon 3 of the XRCC2 gene, results from a G to T substitution at nucleotide position 232. The valine at codon 78 is replaced by phenylalanine, an amino acid with highly similar properties. This amino acid position is conserved. In addition, this alteration is predicted to be deleterious by in silico analysis. Since supporting evidence is limited at this time, the clinical significance of this alteration remains unclear.